The following is an entry in ClinVar:

ClinVar aggregate classification (germline): Uncertain significance. Review status: criteria provided, multiple submitters, no conflicts (2 of 4 stars). 2 submissions from 2 submitters: Uncertain significance (2). Last evaluated 2022-07-05.

Conditions:
Epilepsy, idiopathic generalized, susceptibility to, 14 (EIG14). Identifiers: MedGen C4225245, MONDO:0014734, OMIM 616685.
Developmental and epileptic encephalopathy, 34 (DEE34). Also called: Early infantile epileptic encephalopathy 34; SLC12A5-Related Epilepsy of Infancy with Migrating Focal Seizures. Identifiers: Orphanet 293181, MedGen C4225257, MONDO:0014718, OMIM 616645.

Allele frequency attached by ClinVar (database versions not stated): gnomAD exomes below 0.00001.
gnomAD v4.1: 1 of 1,311,342 alleles (0.000076%); highest among the groups gnomAD compares: Non-Finnish European, 0.000099%; no homozygotes.

Submissions (2):

Labcorp Genetics (formerly Invitae), Labcorp
Classification: Uncertain significance for Developmental and epileptic encephalopathy, 34. Last evaluated: 2022-07-05. Review status: criteria provided, single submitter. Criteria: Invitae Variant Classification Sherloc (09022015). Collection method: clinical testing. Allele origin: germline.
Comment: This variant has not been reported in the literature in individuals affected with SLC12A5-related conditions. In summary, the available evidence is currently insufficient to determine the role of this variant in disease. Therefore, it has been classified as a Variant of Uncertain Significance. Algorithms developed to predict the effect of missense changes on protein structure and function are either unavailable or do not agree on the potential impact of this missense change (SIFT: "Tolerated"; PolyPhen-2: "Possibly Damaging"; Align-GVGD: "Class C0"). ClinVar contains an entry for this variant (Variation ID: 654413). This variant is not present in population databases (gnomAD no frequency). This sequence change replaces threonine, which is neutral and polar, with methionine, which is neutral and non-polar, at codon 787 of the SLC12A5 protein (p.Thr787Met).

New York Genome Center
Classification: Uncertain significance for Developmental and epileptic encephalopathy, 34; Epilepsy, idiopathic generalized, susceptibility to, 14. Last evaluated: 2021-07-23. Review status: criteria provided, single submitter. Criteria: NYGC Assertion Criteria 2020. Collection method: clinical testing. Allele origin: inherited. Observed: 1 heterozygote. Study: CSER-NYCKidSeq.

NM_020708.5(SLC12A5):c.2360C>T (p.Thr787Met)

Gene: SLC12A5 (solute carrier family 12 member 5; plus strand). Cytogenetic location: 20q13.12.
Variant type: single nucleotide variant.
Coding change: c.2360C>T on transcript NM_020708.5 (MANE Select); coding-DNA position 2360, C replaced by T.
Protein change: p.Thr787Met; replaces threonine 787 with methionine.
Molecular consequence: missense variant.
Genome position (GRCh38, 1-based): chr20:46,051,853, C>T. VCF-style: chr20-46051853-C-T. GRCh37 (hg19) VCF-style: chr20-44680492-C-T.
Other names: c.2429C>T, p.Thr810Met (NM_001134771.2); short protein forms T810M, T787M.
Identifiers: ClinVar variation 654413 (VCV000654413.13), dbSNP rs901985864, ClinGen allele CA315642201.